The following is an entry in ClinVar:

NM_004369.4(COL6A3):c.4348G>A (p.Asp1450Asn)

Gene: COL6A3 (collagen type VI alpha 3 chain; minus strand). Cytogenetic location: 2q37.3.
Variant type: single nucleotide variant.
Coding change: c.4348G>A on transcript NM_004369.4 (MANE Select); coding-DNA position 4348, G replaced by A.
Protein change: p.Asp1450Asn; replaces aspartic acid 1450 with asparagine.
Molecular consequence: missense variant.
Genome position (GRCh38, 1-based): chr2:237,369,115, C>T on the plus strand (G>A on the coding strand, the complement: COL6A3 is on the minus strand). VCF-style: chr2-237369115-C-T. GRCh37 (hg19) VCF-style: chr2-238277758-C-T.
Other names: c.2527G>A, p.Asp843Asn (NM_057166.5); c.3730G>A, p.Asp1244Asn (NM_057167.4); short protein forms D1450N, D1244N, D843N.
Identifiers: ClinVar variation 4692799 (VCV004692799.1).

ClinVar aggregate classification (germline): Uncertain significance (1 of 4 stars; one submission).

Conditions:
Bethlem myopathy 1A. Also called: MYOPATHY, BENIGN CONGENITAL, WITH CONTRACTURES; Bethlem myopathy 1; Bethlem Muscular Dystrophy. Identifiers: Orphanet 610, MedGen CN029274, MONDO:0024530, OMIM 158810.

Submission:

Labcorp Genetics (formerly Invitae), Labcorp
Classification: Uncertain significance for Bethlem myopathy 1A. Last evaluated: 2025-08-03. Review status: criteria provided, single submitter. Criteria: Invitae Variant Classification Sherloc (09022015). Collection method: clinical testing. Allele origin: germline.
Comment: This sequence change replaces aspartic acid, which is acidic and polar, with asparagine, which is neutral and polar, at codon 1450 of the COL6A3 protein (p.Asp1450Asn). This variant is not present in population databases (gnomAD no frequency). This variant has not been reported in the literature in individuals affected with COL6A3-related conditions. Invitae Evidence Modeling of protein sequence and biophysical properties (such as structural, functional, and spatial information, amino acid conservation, physicochemical variation, residue mobility, and thermodynamic stability) indicates that this missense variant is not expected to disrupt COL6A3 protein function with a negative predictive value of 80%. In summary, the available evidence is currently insufficient to determine the role of this variant in disease. Therefore, it has been classified as a Variant of Uncertain Significance.